The following is an entry in ClinVar:

NM_001267550.2(TTN):c.89989T>A (p.Leu29997Met)

Genes: TTN (titin; minus strand), TTN-AS1 (TTN antisense RNA 1; plus strand). Cytogenetic location: 2q31.2.
Variant type: single nucleotide variant.
Coding change: c.89989T>A on transcript NM_001267550.2 (MANE Select); coding-DNA position 89989, T replaced by A.
Protein change: p.Leu29997Met; replaces leucine 29997 with methionine.
Molecular consequence: missense variant.
Genome position (GRCh38, 1-based): chr2:178,552,911, A>T on the plus strand (T>A on the coding strand, the complement: TTN is on the minus strand). VCF-style: chr2-178552911-A-T. GRCh37 (hg19) VCF-style: chr2-179417638-A-T.
Other names: p.L28356M:TTG>ATG; c.85066T>A, p.Leu28356Met (NM_001256850.1); c.82285T>A, p.Leu27429Met (NM_133378.4); c.62794T>A, p.Leu20932Met (NM_003319.4); c.63169T>A, p.Leu21057Met (NM_133432.3); c.63370T>A, p.Leu21124Met (NM_133437.4); short protein forms L27429M, L29997M, L28356M, L21057M, L21124M, L20932M.
Identifiers: ClinVar variation 179039 (VCV000179039.55), dbSNP rs369855092, ClinGen allele CA183587.

ClinVar aggregate classification (germline): Conflicting classifications of pathogenicity. Review status: criteria provided, conflicting classifications (1 of 4 stars). 16 submissions from 12 submitters: Uncertain significance (1); Benign (11); Likely benign (4). Last evaluated 2026-07-01.

Conditions:
Cardiovascular phenotype. Identifiers: MedGen CN230736.
Autosomal recessive limb-girdle muscular dystrophy type 2J (LGMDR10). Also called: Limb-girdle muscular dystrophy, type 2J; MUSCULAR DYSTROPHY, LIMB-GIRDLE, AUTOSOMAL RECESSIVE 10. Identifiers: Orphanet 140922, MedGen C1837342, MONDO:0012127, OMIM 608807.
Dilated cardiomyopathy 1G (CMD1G). Identifiers: Orphanet 154, MedGen C1858763, MONDO:0011400, OMIM 604145.
Cardiomyopathy (CMYO). Also called: Cardiomyopathies. Identifiers: Orphanet 167848, MedGen C0878544, MONDO:0004994, HP:0001638. Inheritance: Various modes of inheritance.
Early-onset myopathy with fatal cardiomyopathy (CMYO5). Also called: Salih Myopathy; CONGENITAL MYOPATHY 5 WITH CARDIOMYOPATHY. Identifiers: Orphanet 289377, MedGen C2673677, MONDO:0012714, OMIM 611705. Disease mechanism: loss of function.
Myopathy, myofibrillar, 9, with early respiratory failure (MFM9). Also called: Myopathy, distal, with early respiratory failure, autosomal dominant; EDSTROM MYOPATHY; MYOPATHY, PROXIMAL, WITH EARLY RESPIRATORY MUSCLE INVOLVEMENT; Hereditary myopathy with early respiratory failure. Identifiers: Orphanet 178464, Orphanet 34521, MedGen C1863599, MONDO:0011362, OMIM 603689.
Tibial muscular dystrophy (TMD). Also called: Udd Distal Myopathy – Tibial Muscular Dystrophy; UDD MYOPATHY; Tibial muscular dystrophy, tardive. Identifiers: Orphanet 609, MedGen C1838244, MONDO:0010870, OMIM 600334.

Allele frequency attached by ClinVar (database versions not stated): gnomAD 0.00001 and 0.00042; ESP Exome Variant Server 0.00008; TOPMed 0.00009; gnomAD exomes 0.00141; ExAC 0.00150; 1000 Genomes Project 0.00280; 1000 Genomes Project 30x 0.00297.
gnomAD v4.1: 1,166 of 1,613,724 alleles (0.072%); highest among the groups gnomAD compares: South Asian, 1.2%; 13 homozygotes.

Submissions (16):

CeGaT Center for Human Genetics Tuebingen
Classification: Benign. Last evaluated: 2026-07-01. Review status: criteria provided, single submitter. Criteria: CeGaT Center For Human Genetics Tuebingen Variant Classification Criteria Version 2. Collection method: clinical testing. Allele origin: germline. Affected: yes. Observed: 3 variant alleles.
Comment: TTN: BS1, BS2

Labcorp Genetics (formerly Invitae), Labcorp
Classification: Benign for Dilated cardiomyopathy 1G; Autosomal recessive limb-girdle muscular dystrophy type 2J. Last evaluated: 2026-01-28. Review status: criteria provided, single submitter. Criteria: Invitae Variant Classification Sherloc (09022015). Collection method: clinical testing. Allele origin: germline.

Molecular Diagnostic Laboratory for Inherited Cardiovascular Disease, Montreal Heart Institute
Classification: Benign. Last evaluated: 2025-04-09. Review status: criteria provided, single submitter. Criteria: ACMG Guidelines, 2015. Collection method: clinical testing. Allele origin: germline. Affected: no.
Comment: BS1;BP1;BP6

Mayo Clinic Laboratories, Mayo Clinic
Classification: Benign. Last evaluated: 2025-01-20. Review status: criteria provided, single submitter. Criteria: ACMG Guidelines, 2015. Collection method: clinical testing. Allele origin: germline. Observed: 1 variant allele.
Comment: BS1, BS2

Blueprint Genetics
Classification: Likely benign. Last evaluated: 2024-03-20. Review status: criteria provided, single submitter. Criteria: ACMG Guidelines, 2015. Collection method: clinical testing. Allele origin: germline.

Women's Health and Genetics/Laboratory Corporation of America, LabCorp
Classification: Likely benign. Last evaluated: 2021-05-29. Review status: criteria provided, single submitter. Criteria: LabCorp Variant Classification Summary - May 2015. Collection method: clinical testing. Allele origin: germline.

Ambry Genetics
Classification: Benign for Cardiovascular phenotype. Last evaluated: 2020-03-31. Review status: criteria provided, single submitter. Criteria: Ambry Variant Classification Scheme 2023. Collection method: clinical testing. Allele origin: germline.

CHEO Genetics Diagnostic Laboratory, Children's Hospital of Eastern Ontario
Classification: Benign for Cardiomyopathy. Last evaluated: 2019-06-10. Review status: criteria provided, single submitter. Criteria: ACMG Guidelines, 2015. Collection method: clinical testing. Allele origin: germline.

Illumina Laboratory Services, Illumina
Classification: Benign for Myopathy, myofibrillar, 9, with early respiratory failure. Last evaluated: 2018-01-13. Review status: criteria provided, single submitter. Criteria: ICSL Variant Classification Criteria 13 December 2019. Collection method: clinical testing. Allele origin: germline.
Comment: This variant was observed in the ICSL laboratory as part of a predisposition screen in an ostensibly healthy population. It had not been previously curated by ICSL or reported in the Human Gene Mutation Database (HGMD: prior to June 1st, 2018), and was therefore a candidate for classification through an automated scoring system. Utilizing variant allele frequency, disease prevalence and penetrance estimates, and inheritance mode, an automated score was calculated to assess if this variant is too frequent to cause the disease. Based on the score and internal cut-off values, a variant classified as benign is not then subjected to further curation. The score for this variant resulted in a classification of benign for this disease.

Illumina Laboratory Services, Illumina
Classification: Uncertain significance for Autosomal recessive limb-girdle muscular dystrophy type 2J. Last evaluated: 2018-01-13. Review status: criteria provided, single submitter. Criteria: ICSL Variant Classification Criteria 13 December 2019. Collection method: clinical testing. Allele origin: germline.

Illumina Laboratory Services, Illumina
Classification: Likely benign for Dilated cardiomyopathy 1G. Last evaluated: 2018-01-13. Review status: criteria provided, single submitter. Criteria: ICSL Variant Classification Criteria 13 December 2019. Collection method: clinical testing. Allele origin: germline.
Comment: This variant was observed in the ICSL laboratory as part of a predisposition screen in an ostensibly healthy population. It had not been previously curated by ICSL or reported in the Human Gene Mutation Database (HGMD: prior to June 1st, 2018), and was therefore a candidate for classification through an automated scoring system. Utilizing variant allele frequency, disease prevalence and penetrance estimates, and inheritance mode, an automated score was calculated to assess if this variant is too frequent to cause the disease. Based on the score and internal cut-off values, a variant classified as likely benign is not then subjected to further curation. The score for this variant resulted in a classification of likely benign for this disease.

Illumina Laboratory Services, Illumina
Classification: Benign for Tibial muscular dystrophy. Last evaluated: 2018-01-13. Review status: criteria provided, single submitter. Criteria: ICSL Variant Classification Criteria 13 December 2019. Collection method: clinical testing. Allele origin: germline.
Comment: the same text as in the submission from Illumina Laboratory Services, Illumina above.

Illumina Laboratory Services, Illumina
Classification: Likely benign for Early-onset myopathy with fatal cardiomyopathy. Last evaluated: 2018-01-13. Review status: criteria provided, single submitter. Criteria: ICSL Variant Classification Criteria 13 December 2019. Collection method: clinical testing. Allele origin: germline.
Comment: the same text as in the submission from Illumina Laboratory Services, Illumina above.

Laboratory for Molecular Medicine, Mass General Brigham Personalized Medicine
Classification: Benign. Last evaluated: 2016-08-04. Review status: criteria provided, single submitter. Criteria: LMM Criteria. Collection method: clinical testing. Allele origin: germline. Observed: 2 variant alleles.
Comment: p.Leu27429Met in exon 284 of TTN: This variant is not expected to have clinical significance because it is not located within the splice consensus sequence. It has been identified in 1.1% (178/16496) of South Asian chromosomes, including 2 homozygotes by the Exome Aggregation Consortium (ExAC; dbSNP rs369855092).

GeneDx
Classification: Benign. Last evaluated: 2016-03-25. Review status: criteria provided, single submitter. Criteria: GeneDx Variant Classification (06012015). Collection method: clinical testing. Allele origin: germline. Affected: yes.
Comment: This variant is considered likely benign or benign based on one or more of the following criteria: it is a conservative change, it occurs at a poorly conserved position in the protein, it is predicted to be benign by multiple in silico algorithms, and/or has population frequency not consistent with disease.

Eurofins Ntd Llc (ga)
Classification: Benign. Last evaluated: 2015-09-03. Review status: criteria provided, single submitter. Criteria: EGL Classification Definitions 2015. Collection method: clinical testing. Allele origin: germline. Observed: 1 variant allele, 1 heterozygote.

Literature cited by the submitters: PubMed 23396983 (cited by Laboratory for Molecular Medicine, Mass General Brigham Personalized Medicine).